The following is an entry in ClinVar:

NM_001080517.3(SETD5):c.1782+1G>A

Gene: SETD5 (SET domain containing 5; plus strand). Cytogenetic location: 3p25.3.
Variant type: single nucleotide variant.
Coding change: c.1782+1G>A on transcript NM_001080517.3 (MANE Select); the canonical splice donor site of the intron after coding-DNA position 1782, G replaced by A.
Molecular consequence: splice donor variant.
Genome position (GRCh38, 1-based): chr3:9,447,308, G>A. VCF-style: chr3-9447308-G-A. GRCh37 (hg19) VCF-style: chr3-9488992-G-A.
Other names: c.1488+1G>A (NM_001349451.2, NM_001292043.2).
Identifiers: ClinVar variation 2035791 (VCV002035791.4), dbSNP rs2472944256, ClinGen allele CA351696654.
Genomic context (GRCh38, chr3:9,447,308, plus strand): 5'-ACCATCCCAAGCACCCCACAGAGTGTTGGTGTGAATACCCGGAGGTCTTCCCAAGCAGGG[G>A]TAAGAGTTGAAAAGACTTCAGCACTTAGACATCCTCACCTTTGCTAATGTCAATACCTAA-3'

ClinVar aggregate classification (germline): Likely pathogenic (1 of 4 stars; one submission).

Submission:

Labcorp Genetics (formerly Invitae), Labcorp
Classification: Likely pathogenic. Last evaluated: 2022-12-17. Review status: criteria provided, single submitter. Criteria: Invitae Variant Classification Sherloc (09022015). Collection method: clinical testing. Allele origin: germline.
Comment: This sequence change affects a donor splice site in intron 14 of the SETD5 gene. It is expected to disrupt RNA splicing. Variants that disrupt the donor or acceptor splice site typically lead to a loss of protein function (PMID: 16199547), and loss-of-function variants in SETD5 are known to be pathogenic (PMID: 24680889). This variant is not present in population databases (gnomAD no frequency). Disruption of this splice site has been observed in individual(s) with autism and/or intellectual disability (PMID: 28191889). Algorithms developed to predict the effect of sequence changes on RNA splicing suggest that this variant may disrupt the consensus splice site. In summary, the currently available evidence indicates that the variant is pathogenic, but additional data are needed to prove that conclusively. Therefore, this variant has been classified as Likely Pathogenic.

Literature cited by the submitters: PubMed 16199547; PubMed 24680889; PubMed 28191889.